The following is an entry in ClinVar:

NM_000212.3(ITGB3):c.2131C>T (p.Pro711Ser)

Gene: ITGB3 (integrin subunit beta 3; plus strand). Cytogenetic location: 17q21.32.
Variant type: single nucleotide variant.
Coding change: c.2131C>T on transcript NM_000212.3 (MANE Select); coding-DNA position 2131, C replaced by T.
Protein change: p.Pro711Ser; replaces proline 711 with serine.
Molecular consequence: missense variant.
Genome position (GRCh38, 1-based): chr17:47,302,837, C>T. VCF-style: chr17-47302837-C-T. GRCh37 (hg19) VCF-style: chr17-45380203-C-T.
Other names: p.Pro711Ser; short protein forms P711S.
Identifiers: ClinVar variation 323872 (VCV000323872.15), dbSNP rs138729147, ClinGen allele CA8623445.

ClinVar aggregate classification (germline): Uncertain significance. Review status: criteria provided, multiple submitters, no conflicts (2 of 4 stars). 6 submissions from 6 submitters: Uncertain significance (6). Last evaluated 2026-03-17.

Conditions:
Bleeding disorder, platelet-type, 24. Also called: GLANZMANN THROMBASTHENIA-LIKE WITH MACROTHROMBOCYTOPENIA 2. Identifiers: MedGen C5543280, MONDO:0030996, OMIM 619271.
Glanzmann thrombasthenia 2. Also called: BLEEDING DISORDER, PLATELET-TYPE, 23. Identifiers: MedGen C5543273, MONDO:0031009, OMIM 619267.
Glanzmann thrombasthenia. Also called: THROMBASTHENIA OF GLANZMANN AND NAEGELI; Thrombasthenia; Glanzmann's thrombasthenia; PLATELET GLYCOPROTEIN IIb-IIIa DEFICIENCY. Identifiers: Orphanet 849, MedGen C0040015, MONDO:0100326.

Allele frequency attached by ClinVar (database versions not stated): 1000 Genomes Project 0.00060; TOPMed 0.00060; 1000 Genomes Project 30x 0.00062; ExAC 0.00064; gnomAD 0.00065 and 0.00066; ESP Exome Variant Server 0.00069; gnomAD exomes 0.00069.
gnomAD v4.1: 1,628 of 1,614,142 alleles (0.1%); highest among the groups gnomAD compares: Non-Finnish European, 0.13%; 2 homozygotes.

Submissions (6):

Women's Health and Genetics/Laboratory Corporation of America, LabCorp
Classification: Uncertain significance. Last evaluated: 2026-03-17. Review status: criteria provided, single submitter. Criteria: LabCorp Variant Classification Summary - May 2015. Collection method: clinical testing. Allele origin: germline.
Comment: Variant summary: ITGB3 c.2131C>T (p.Pro711Ser) results in a non-conservative amino acid change located in the Integrin beta subunit, tail (IPR012896) of the encoded protein sequence. Algorithms developed to predict the effect of missense changes on protein structure and function all suggest that this variant is likely to be disruptive. The variant allele was found at a frequency of 0.00069 in 251396 control chromosomes in the gnomAD database, including 1 homozygote. This frequency is not significantly higher than estimated for disease-causing variants in ITGB3, allowing no conclusion about variant significance. c.2131C>T has been reported in the literature in at least one individual affected with mild isolated nonsyndromic thrombocytopenia without reported second variant (Gueguen_2020). This report does not provide unequivocal conclusions about association of the variant with Glanzmann Thrombasthenia 2. To our knowledge, no experimental evidence demonstrating an impact on protein function has been reported. The following publication has been ascertained in the context of this evaluation (PMID: 32757236). ClinVar contains an entry for this variant (Variation ID: 323872). Based on the evidence outlined above, the variant was classified as uncertain significance.

Labcorp Genetics (formerly Invitae), Labcorp
Classification: Uncertain significance. Last evaluated: 2025-12-01. Review status: criteria provided, single submitter. Criteria: Invitae Variant Classification Sherloc (09022015). Collection method: clinical testing. Allele origin: germline.
Comment: This sequence change replaces proline, which is neutral and non-polar, with serine, which is neutral and polar, at codon 711 of the ITGB3 protein (p.Pro711Ser). This variant is present in population databases (rs138729147, gnomAD 0.1%), and has an allele count higher than expected for a pathogenic variant. This variant has not been reported in the literature in individuals affected with ITGB3-related conditions. ClinVar contains an entry for this variant (Variation ID: 323872). Invitae Evidence Modeling of protein sequence and biophysical properties (such as structural, functional, and spatial information, amino acid conservation, physicochemical variation, residue mobility, and thermodynamic stability) has been performed for this missense variant. However, the output from this modeling did not meet the statistical confidence thresholds required to predict the impact of this variant on ITGB3 protein function. In summary, the available evidence is currently insufficient to determine the role of this variant in disease. Therefore, it has been classified as a Variant of Uncertain Significance.

Mayo Clinic Laboratories, Mayo Clinic
Classification: Uncertain significance. Last evaluated: 2024-11-13. Review status: criteria provided, single submitter. Criteria: ACMG Guidelines, 2015. Collection method: clinical testing. Allele origin: germline. Observed: 1 variant allele.
Comment: PP3

Department of Pathology and Laboratory Medicine, Sinai Health System
Classification: Uncertain significance for Glanzmann thrombasthenia 2; Bleeding disorder, platelet-type, 24. Last evaluated: 2022-12-12. Review status: criteria provided, single submitter. Criteria: ACMG Guidelines, 2015. Collection method: research. Allele origin: germline.

Illumina Laboratory Services, Illumina
Classification: Uncertain significance for Glanzmann thrombasthenia 1. Last evaluated: 2018-01-13. Review status: criteria provided, single submitter. Criteria: ICSL Variant Classification Criteria 13 December 2019. Collection method: clinical testing. Allele origin: germline.

Breakthrough Genomics
Classification: Uncertain significance. Review status: criteria provided, single submitter. Criteria: ACMG Guidelines, 2015. Collection method: not provided. Allele origin: germline. Inheritance: Autosomal recessive inheritance. Affected: yes.

Literature cited by the submitters: PubMed 32757236 (cited by Women's Health and Genetics/Laboratory Corporation of America, LabCorp and Mayo Clinic Laboratories, Mayo Clinic).